The following is an entry in ClinVar:

ClinVar aggregate classification (germline): Likely benign. Review status: criteria provided, multiple submitters, no conflicts (2 of 4 stars). 3 submissions from 3 submitters: Likely benign (2). 1 of the submissions does not count toward it. Last evaluated 2025-09-20.

Conditions:
Hereditary cancer-predisposing syndrome. Also called: Neoplastic Syndromes, Hereditary; Hereditary Cancer Syndrome; Tumor predisposition; Hereditary neoplastic syndrome. Identifiers: Orphanet 140162, MedGen C0027672, MeSH D009386, MONDO:0015356.
CDC73-related disorder. Also called: CDC73-related disorders; CDC73-related condition. Identifiers: MedGen CN169292.
Parathyroid carcinoma (PRTC). Also called: CDC73-Related Parathyroid Carcinoma; Parathyroid gland carcinoma. Identifiers: Orphanet 143, MedGen C0687150, MONDO:0012004, OMIM 608266, HP:0006780.

Allele frequency attached by ClinVar (database versions not stated): gnomAD exomes below 0.00001.
gnomAD v4.1: 1 of 1,613,958 alleles (0.000062%); highest among the groups gnomAD compares: Non-Finnish European, 0.000085%; no homozygotes.

Submissions (3):

Labcorp Genetics (formerly Invitae), Labcorp
Classification: Likely benign for Parathyroid carcinoma. Last evaluated: 2025-09-20. Review status: criteria provided, single submitter. Criteria: Invitae Variant Classification Sherloc (09022015). Collection method: clinical testing. Allele origin: germline.

Ambry Genetics
Classification: Likely benign for Hereditary cancer-predisposing syndrome. Last evaluated: 2021-11-18. Review status: criteria provided, single submitter. Criteria: Ambry Variant Classification Scheme 2023. Collection method: clinical testing. Allele origin: germline.

PreventionGenetics, part of Exact Sciences
Classification: Likely benign for CDC73-related condition. Last evaluated: 2023-02-01. Review status: no assertion criteria provided. Collection method: clinical testing. Allele origin: germline. Not counted in ClinVar's aggregate classification.
Comment: This variant is classified as likely benign based on ACMG/AMP sequence variant interpretation guidelines (Richards et al. 2015 PMID: 25741868, with internal and published modifications).

NM_024529.5(CDC73):c.1188T>C (p.Gly396=)

Gene: CDC73 (cell division cycle 73; plus strand). Cytogenetic location: 1q31.2.
Variant type: single nucleotide variant.
Coding change: c.1188T>C on transcript NM_024529.5 (MANE Select); coding-DNA position 1188, T replaced by C.
Protein change: p.Gly396=; no amino-acid change (glycine 396 retained).
Molecular consequence: synonymous variant.
Genome position (GRCh38, 1-based): chr1:193,233,026, T>C. VCF-style: chr1-193233026-T-C. GRCh37 (hg19) VCF-style: chr1-193202156-T-C.
Identifiers: ClinVar variation 705987 (VCV000705987.15), dbSNP rs1205766785, ClinGen allele CA422491793.